The following is an entry in ClinVar:

NM_001024383.2(NAV3):c.148T>A (p.Ser50Thr)

Gene: NAV3 (neuron navigator 3; plus strand). Cytogenetic location: 12q21.2.
Variant type: single nucleotide variant.
Coding change: c.148T>A on transcript NM_001024383.2 (MANE Select); coding-DNA position 148, T replaced by A.
Protein change: p.Ser50Thr; replaces serine 50 with threonine.
Molecular consequence: missense variant.
Genome position (GRCh38, 1-based): chr12:77,831,609, T>A. VCF-style: chr12-77831609-T-A. GRCh37 (hg19) VCF-style: chr12-78225389-T-A.
Other names: c.148T>A, p.Ser50Thr (NM_014903.6); short protein forms S50T.
Identifiers: ClinVar variation 3657344 (VCV003657344.2).
Genomic context (GRCh38, chr12:77,831,609, plus strand): 5'-GGCACTACTGGGTCACAGCACTGTTCTTCAAGACCTTTGGAACTTACTGAAACAGAGAGC[T>A]CCATGCTTTCTTGTCAGCTTGCGTTAAAATCAACCTGTGAATTTGGAGAGAAGAAACCCC-3'
Protein context (NP_001019554.1, residues 40-60): RPLELTETES[Ser50Thr]MLSCQLALKS

ClinVar aggregate classification (germline): Uncertain significance (1 of 4 stars; one submission).

gnomAD v4.1: 1 of 1,614,032 alleles (0.000062%); highest among the groups gnomAD compares: Non-Finnish European, 0.000085%; no homozygotes.

Submission:

Labcorp Genetics (formerly Invitae), Labcorp
Classification: Uncertain significance. Last evaluated: 2024-12-25. Review status: criteria provided, single submitter. Criteria: Invitae Variant Classification Sherloc (09022015). Collection method: clinical testing. Allele origin: germline.
Comment: This sequence change replaces serine, which is neutral and polar, with threonine, which is neutral and polar, at codon 50 of the NAV3 protein (p.Ser50Thr). This variant is not present in population databases (gnomAD no frequency). This variant has not been reported in the literature in individuals affected with NAV3-related conditions. An algorithm developed to predict the effect of missense changes on protein structure and function (PolyPhen-2) suggests that this variant is likely to be tolerated. In summary, the available evidence is currently insufficient to determine the role of this variant in disease. Therefore, it has been classified as a Variant of Uncertain Significance.